The following is an entry in ClinVar:

NM_001035.3(RYR2):c.3240C>T (p.Gly1080=)

Gene: RYR2 (ryanodine receptor 2; plus strand). Cytogenetic location: 1q43.
Variant type: single nucleotide variant.
Coding change: c.3240C>T on transcript NM_001035.3 (MANE Select); coding-DNA position 3240, C replaced by T.
Protein change: p.Gly1080=; no amino-acid change (glycine 1080 retained).
Molecular consequence: synonymous variant.
Genome position (GRCh38, 1-based): chr1:237,566,592, C>T. VCF-style: chr1-237566592-C-T. GRCh37 (hg19) VCF-style: chr1-237729892-C-T.
Other names: c.3240C>T (NM_001035.2).
Identifiers: ClinVar variation 870977 (VCV000870977.20), dbSNP rs745511565, ClinGen allele CA423819112.

ClinVar aggregate classification (germline): Likely benign. Review status: criteria provided, multiple submitters, no conflicts (2 of 4 stars). 4 submissions from 4 submitters: Likely benign (4). Last evaluated 2025-04-17.

Conditions:
Catecholaminergic polymorphic ventricular tachycardia (CVPT). Also called: Catecholamine-induced polymorphic ventricular tachycardia. Identifiers: Orphanet 3286, MedGen C5574922, MONDO:0017990.
Cardiomyopathy (CMYO). Also called: Cardiomyopathies. Identifiers: Orphanet 167848, MedGen C0878544, MONDO:0004994, HP:0001638. Inheritance: Various modes of inheritance.
Cardiovascular phenotype. Identifiers: MedGen CN230736.
Catecholaminergic polymorphic ventricular tachycardia 1. Also called: VENTRICULAR TACHYCARDIA, CATECHOLAMINERGIC POLYMORPHIC, 1, WITH OR WITHOUT ATRIAL DYSFUNCTION AND/OR DILATED CARDIOMYOPATHY; RYR2-Related Catecholaminergic Polymorphic Ventricular Tachycardia; VENTRICULAR TACHYCARDIA, STRESS-INDUCED POLYMORPHIC 1. Identifiers: Orphanet 3286, MedGen C1631597, MONDO:0011484, OMIM 604772.

Allele frequency attached by ClinVar (database versions not stated): TOPMed below 0.00001; gnomAD 0.00001.
gnomAD v4.1: 24 of 1,613,822 alleles (0.0015%); highest among the groups gnomAD compares: Non-Finnish European, 0.0019%; no homozygotes.

Submissions (4):

Labcorp Genetics (formerly Invitae), Labcorp
Classification: Likely benign for Catecholaminergic polymorphic ventricular tachycardia 1. Last evaluated: 2025-04-17. Review status: criteria provided, single submitter. Criteria: Invitae Variant Classification Sherloc (09022015). Collection method: clinical testing. Allele origin: germline.

All of Us Research Program, National Institutes of Health
Classification: Likely benign for Catecholaminergic polymorphic ventricular tachycardia. Last evaluated: 2024-01-11. Review status: criteria provided, single submitter. Criteria: ACMG Guidelines, 2015. Collection method: clinical testing. Allele origin: germline. Inheritance: Autosomal dominant inheritance. Observed: 1 variant allele, 1 heterozygote.
Comment: This study involves interpretation of variants in research participants for the purpose of population health screening. Participant phenotype was not available at the time of variant classification. Additional details can be found in publication PMID: 35346344, PMCID: PMC8962531

Ambry Genetics
Classification: Likely benign for Cardiovascular phenotype. Last evaluated: 2022-05-02. Review status: criteria provided, single submitter. Criteria: Ambry Variant Classification Scheme 2023. Collection method: clinical testing. Allele origin: germline.

Color Diagnostics, LLC DBA Color Health
Classification: Likely benign for Cardiomyopathy. Last evaluated: 2020-04-28. Review status: criteria provided, single submitter. Criteria: ACMG Guidelines, 2015. Collection method: clinical testing. Allele origin: germline.